The following is an entry in ClinVar:

ClinVar aggregate classification (germline): Uncertain significance (1 of 4 stars; one submission).

gnomAD v4.1: 1 of 1,547,878 alleles (0.000065%); highest among the groups gnomAD compares: Admixed American, 0.002%; no homozygotes.

Submission:

GeneDx
Classification: Uncertain significance. Last evaluated: 2026-02-05. Review status: criteria provided, single submitter. Criteria: GeneDx Variant Classification Process June 2021. Collection method: clinical testing. Allele origin: germline.
Comment: Not observed at significant frequency in large population cohorts (gnomAD); Has not been previously published as pathogenic or benign to our knowledge; In silico analysis is inconclusive as to whether the variant alters gene splicing. In the absence of RNA/functional studies, the actual effect of this sequence change is unknown.

NM_001292063.2(OTOG):c.1451+6T>A

Gene: OTOG (otogelin; plus strand). Cytogenetic location: 11p15.1.
Variant type: single nucleotide variant.
Coding change: c.1451+6T>A on transcript NM_001292063.2 (MANE Select); 6 bases into the intron after coding-DNA position 1451, T replaced by A.
Molecular consequence: intron variant.
Genome position (GRCh38, 1-based): chr11:17,560,823, T>A. VCF-style: chr11-17560823-T-A. GRCh37 (hg19) VCF-style: chr11-17582370-T-A.
Other names: c.1487+6T>A (NM_001277269.2).
Identifiers: ClinVar variation 4975982 (VCV004975982.1).